The following is an entry in ClinVar:

ClinVar aggregate classification (germline): Pathogenic. Review status: criteria provided, multiple submitters, no conflicts (2 of 4 stars). 2 submissions from 2 submitters: Pathogenic (2). Last evaluated 2023-09-03.

Conditions:
Neurofibromatosis, type 1 (NF1). Also called: Peripheral type neurofibromatosis; VON RECKLINGHAUSEN DISEASE; NEUROFIBROMATOSIS, TYPE I, SOMATIC; Neurofibromatosis, type I. Identifiers: Orphanet 636, MedGen C0027831, MONDO:0018975, OMIM 162200. Disease mechanism: loss of function.

Submissions (2):

Labcorp Genetics (formerly Invitae), Labcorp
Classification: Pathogenic for Neurofibromatosis, type 1. Last evaluated: 2023-09-03. Review status: criteria provided, single submitter. Criteria: Invitae Variant Classification Sherloc (09022015). Collection method: clinical testing. Allele origin: germline.
Comment: For these reasons, this variant has been classified as Pathogenic. Algorithms developed to predict the effect of sequence changes on RNA splicing suggest that this variant may disrupt the consensus splice site. ClinVar contains an entry for this variant (Variation ID: 2137981). Disruption of this splice site has been observed in individual(s) with clinical features of neurofibromatosis type 1 (PMID: 18546366; Invitae). This variant is not present in population databases (gnomAD no frequency). This sequence change affects a donor splice site in intron 27 of the NF1 gene. It is expected to disrupt RNA splicing. Variants that disrupt the donor or acceptor splice site typically lead to a loss of protein function (PMID: 16199547), and loss-of-function variants in NF1 are known to be pathogenic (PMID: 10712197, 23913538).

GeneDx
Classification: Pathogenic. Last evaluated: 2022-10-27. Review status: criteria provided, single submitter. Criteria: GeneDx Variant Classification Process June 2021. Collection method: clinical testing. Allele origin: germline. Affected: yes.
Comment: Canonical splice site variant demonstrated to result in a null allele in patient-derived cDNA in a gene for which loss of function is a known mechanism of disease (Pros et al., 2008); Not observed at significant frequency in large population cohorts (gnomAD); Observed in an individual with features of neurofibromatosis type 1 (Pros et al., 2008); This variant is associated with the following publications: (PMID: 18546366)

Literature cited by the submitters: PubMed 18546366 (cited by Labcorp Genetics (formerly Invitae), Labcorp); PubMed 16199547 (cited by Labcorp Genetics (formerly Invitae), Labcorp); PubMed 10712197 (cited by Labcorp Genetics (formerly Invitae), Labcorp); PubMed 23913538 (cited by Labcorp Genetics (formerly Invitae), Labcorp).

NM_001042492.3(NF1):c.3708+2T>C

Gene: NF1 (neurofibromin 1; plus strand). Cytogenetic location: 17q11.2.
Variant type: single nucleotide variant.
Coding change: c.3708+2T>C on transcript NM_001042492.3 (MANE Select); the canonical splice donor site of the intron after coding-DNA position 3708, T replaced by C.
Molecular consequence: splice donor variant.
Genome position (GRCh38, 1-based): chr17:31,233,215, T>C. VCF-style: chr17-31233215-T-C. GRCh37 (hg19) VCF-style: chr17-29560233-T-C.
Other names: c.3708+2T>C (NM_000267.4).
Identifiers: ClinVar variation 2137981 (VCV002137981.5), dbSNP rs2151435843, ClinGen allele CA398990792.